The following is an entry in ClinVar:

ClinVar aggregate classification (germline): Uncertain significance (1 of 4 stars; one submission).

Allele frequency attached by ClinVar (database versions not stated): gnomAD exomes below 0.00001; TOPMed 0.00003.
gnomAD v4.1: 6 of 1,613,990 alleles (0.00037%); highest among the groups gnomAD compares: African/African-American, 0.008%; no homozygotes.

Submission:

Labcorp Genetics (formerly Invitae), Labcorp
Classification: Uncertain significance. Last evaluated: 2022-03-11. Review status: criteria provided, single submitter. Criteria: Invitae Variant Classification Sherloc (09022015). Collection method: clinical testing. Allele origin: germline.
Comment: In summary, the available evidence is currently insufficient to determine the role of this variant in disease. Therefore, it has been classified as a Variant of Uncertain Significance. Algorithms developed to predict the effect of missense changes on protein structure and function (SIFT, PolyPhen-2, Align-GVGD) all suggest that this variant is likely to be disruptive. This variant has not been reported in the literature in individuals affected with NBAS-related conditions. This variant is present in population databases (no rsID available, gnomAD 0.01%). This sequence change replaces arginine, which is basic and polar, with lysine, which is basic and polar, at codon 1758 of the NBAS protein (p.Arg1758Lys).

NM_015909.4(NBAS):c.5273G>A (p.Arg1758Lys)

Gene: NBAS (NBAS subunit of NRZ tethering complex; minus strand). Cytogenetic location: 2p24.3.
Variant type: single nucleotide variant.
Coding change: c.5273G>A on transcript NM_015909.4 (MANE Select); coding-DNA position 5273, G replaced by A.
Protein change: p.Arg1758Lys; replaces arginine 1758 with lysine.
Molecular consequence: missense variant. On other transcripts: non-coding transcript variant (1).
Genome position (GRCh38, 1-based): chr2:15,276,967, C>T on the plus strand (G>A on the coding strand, the complement: NBAS is on the minus strand). VCF-style: chr2-15276967-C-T. GRCh37 (hg19) VCF-style: chr2-15417091-C-T.
Other names: short protein forms R1758K.
Identifiers: ClinVar variation 1355424 (VCV001355424.6), dbSNP rs984690221, ClinGen allele CA42601737.